The following is an entry in ClinVar:

ClinVar aggregate classification (germline): Likely benign (1 of 4 stars; one submission).

Allele frequency attached by ClinVar (database versions not stated): gnomAD 0.00001; TOPMed 0.00004.
gnomAD v4.1: 16 of 1,614,120 alleles (0.00099%); highest among the groups gnomAD compares: Non-Finnish European, 0.0014%; no homozygotes.

Submission:

CeGaT Center for Human Genetics Tuebingen
Classification: Likely benign. Last evaluated: 2025-01-01. Review status: criteria provided, single submitter. Criteria: CeGaT Center For Human Genetics Tuebingen Variant Classification Criteria Version 2. Collection method: clinical testing. Allele origin: germline. Affected: yes. Observed: 3 variant alleles.
Comment: SPTBN1: BP4, BP7

NM_003128.3(SPTBN1):c.3261G>C (p.Ser1087=)

Gene: SPTBN1 (spectrin beta, non-erythrocytic 1; plus strand). Cytogenetic location: 2p16.2.
Variant type: single nucleotide variant.
Coding change: c.3261G>C on transcript NM_003128.3 (MANE Select); coding-DNA position 3261, G replaced by C.
Protein change: p.Ser1087=; no amino-acid change (serine 1087 retained).
Molecular consequence: synonymous variant.
Genome position (GRCh38, 1-based): chr2:54,631,308, G>C. VCF-style: chr2-54631308-G-C. GRCh37 (hg19) VCF-style: chr2-54858445-G-C.
Other names: c.3222G>C, p.Ser1074= (NM_178313.3).
Identifiers: ClinVar variation 2650925 (VCV002650925.24), dbSNP rs568530945, ClinGen allele CA47502528.
Genomic context (GRCh38, chr2:54,631,308, plus strand): 5'-CCTACGGGACTTGGACGACTTCCAGTCCTGGCTCTCTAGGACCCAGACAGCGATCGCCTC[G>C]GAGGACATGCCAAACACCCTGACCGAGGCTGAGAAGCTGCTCACGCAGCACGAGAACATC-3'
Protein context (NP_003119.2, residues 1077-1097): WLSRTQTAIA[Ser1087=]EDMPNTLTEA